The following is an entry in ClinVar:

ClinVar aggregate classification (germline): Uncertain significance. Review status: criteria provided, multiple submitters, no conflicts (2 of 4 stars). 2 submissions from 2 submitters: Uncertain significance (2). Last evaluated 2022-04-16.

Conditions:
Inborn genetic diseases. Identifiers: MedGen C0950123, MeSH D030342.

Allele frequency attached by ClinVar (database versions not stated): gnomAD 0.00001; gnomAD exomes 0.00001; TOPMed 0.00001.
gnomAD v4.1: 9 of 1,613,878 alleles (0.00056%); highest among the groups gnomAD compares: Non-Finnish European, 0.00076%; no homozygotes.

Submissions (2):

Labcorp Genetics (formerly Invitae), Labcorp
Classification: Uncertain significance. Last evaluated: 2022-04-16. Review status: criteria provided, single submitter. Criteria: Invitae Variant Classification Sherloc (09022015). Collection method: clinical testing. Allele origin: germline.
Comment: This sequence change replaces serine, which is neutral and polar, with leucine, which is neutral and non-polar, at codon 746 of the ERCC2 protein (p.Ser746Leu). This variant is not present in population databases (gnomAD no frequency). This variant has not been reported in the literature in individuals affected with ERCC2-related conditions. Algorithms developed to predict the effect of missense changes on protein structure and function are either unavailable or do not agree on the potential impact of this missense change (SIFT: "Deleterious"; PolyPhen-2: "Benign"; Align-GVGD: "Class C0"). In summary, the available evidence is currently insufficient to determine the role of this variant in disease. Therefore, it has been classified as a Variant of Uncertain Significance.

Ambry Genetics
Classification: Uncertain significance for Inborn genetic diseases. Last evaluated: 2021-10-06. Review status: criteria provided, single submitter. Criteria: Ambry Variant Classification Scheme 2023. Collection method: clinical testing. Allele origin: germline.
Comment: The p.S746L variant (also known as c.2237C>T), located in coding exon 23 of the ERCC2 gene, results from a C to T substitution at nucleotide position 2237. The serine at codon 746 is replaced by leucine, an amino acid with dissimilar properties. This amino acid position is conserved. In addition, the in silico prediction for this alteration is inconclusive. Since supporting evidence is limited at this time, the clinical significance of this alteration remains unclear.

NM_000400.4(ERCC2):c.2237C>T (p.Ser746Leu)

Gene: ERCC2 (ERCC excision repair 2, TFIIH core complex helicase subunit; minus strand). Cytogenetic location: 19q13.32.
Variant type: single nucleotide variant.
Coding change: c.2237C>T on transcript NM_000400.4 (MANE Select); coding-DNA position 2237, C replaced by T.
Protein change: p.Ser746Leu; replaces serine 746 with leucine.
Molecular consequence: missense variant.
Genome position (GRCh38, 1-based): chr19:45,351,675, G>A on the plus strand (C>T on the coding strand, the complement: ERCC2 is on the minus strand). VCF-style: chr19-45351675-G-A. GRCh37 (hg19) VCF-style: chr19-45854933-G-A.
Other names: short protein forms S746L.
Identifiers: ClinVar variation 1788210 (VCV001788210.4), dbSNP rs1437490326, ClinGen allele CA406360400.